The following is an entry in ClinVar:

ClinVar aggregate classification (germline): Uncertain significance (1 of 4 stars; one submission).

Conditions:
Inborn genetic diseases. Identifiers: MedGen C0950123, MeSH D030342.

Submission:

Ambry Genetics
Classification: Uncertain significance for Inborn genetic diseases. Last evaluated: 2026-03-24. Review status: criteria provided, single submitter. Criteria: Ambry Variant Classification Scheme 2023. Collection method: clinical testing. Allele origin: germline.
Comment: The p.T210A variant (also known as c.628A>G), located in coding exon 3 of the MBD4 gene, results from an A to G substitution at nucleotide position 628. The threonine at codon 210 is replaced by alanine, an amino acid with similar properties. This amino acid position is conserved. In addition, this alteration is predicted to be tolerated by in silico analysis. Based on the available evidence, the clinical significance of this variant remains unclear.

NM_001276270.2(MBD4):c.628A>G (p.Thr210Ala)

Gene: MBD4 (methyl-CpG binding domain 4, DNA glycosylase; minus strand). Cytogenetic location: 3q21.3.
Variant type: single nucleotide variant.
Coding change: c.628A>G on transcript NM_001276270.2 (MANE Select); coding-DNA position 628, A replaced by G.
Protein change: p.Thr210Ala; replaces threonine 210 with alanine.
Molecular consequence: missense variant. On other transcripts: intron variant (1).
Genome position (GRCh38, 1-based): chr3:129,437,016, T>C on the plus strand (A>G on the coding strand, the complement: MBD4 is on the minus strand). VCF-style: chr3-129437016-T-C. GRCh37 (hg19) VCF-style: chr3-129155859-T-C.
Other names: c.628A>G, p.Thr210Ala (NM_001276271.2, NM_001276272.2, NM_003925.3); c.247+792A>G (NM_001276273.2); short protein forms T210A.
Identifiers: ClinVar variation 4859564 (VCV004859564.1).